The following is an entry in ClinVar:

ClinVar aggregate classification (germline): Benign. Review status: criteria provided, single submitter (1 of 4 stars). 2 submissions from 2 submitters: Benign (1). 1 of the submissions does not count toward it. Last evaluated 2026-07-01.

Conditions:
SPTBN1-related disorder. Also called: SPTBN1-related condition.

Allele frequency attached by ClinVar (database versions not stated): 1000 Genomes Project 30x 0.00078; 1000 Genomes Project 0.00080; ExAC 0.00357; TOPMed 0.00367; gnomAD 0.00405; ESP Exome Variant Server 0.00415; gnomAD exomes 0.00531.

Submissions (2):

CeGaT Center for Human Genetics Tuebingen
Classification: Benign. Last evaluated: 2026-07-01. Review status: criteria provided, single submitter. Criteria: CeGaT Center For Human Genetics Tuebingen Variant Classification Criteria Version 2. Collection method: clinical testing. Allele origin: germline. Affected: yes. Observed: 19 variant alleles.
Comment: SPTBN1: BP4, BS1, BS2

PreventionGenetics, part of Exact Sciences
Classification: Benign for SPTBN1-related condition. Last evaluated: 2024-06-18. Review status: no assertion criteria provided. Collection method: clinical testing. Allele origin: germline. Not counted in ClinVar's aggregate classification.
Comment: This variant is classified as benign based on ACMG/AMP sequence variant interpretation guidelines (Richards et al. 2015 PMID: 25741868, with internal and published modifications).

NM_003128.3(SPTBN1):c.3993C>A (p.Asp1331Glu)

Gene: SPTBN1 (spectrin beta, non-erythrocytic 1; plus strand). Cytogenetic location: 2p16.2.
Variant type: single nucleotide variant.
Coding change: c.3993C>A on transcript NM_003128.3 (MANE Select); coding-DNA position 3993, C replaced by A.
Protein change: p.Asp1331Glu; replaces aspartic acid 1331 with glutamic acid.
Molecular consequence: missense variant.
Genome position (GRCh38, 1-based): chr2:54,643,117, C>A. VCF-style: chr2-54643117-C-A. GRCh37 (hg19) VCF-style: chr2-54870254-C-A.
Other names: c.3954C>A, p.Asp1318Glu (NM_178313.3); c.3993C>A (NM_003128.2); short protein forms D1318E, D1331E.
Identifiers: ClinVar variation 2650927 (VCV002650927.24), dbSNP rs144815582, ClinGen allele CA1660947.